The following is an entry in ClinVar:

NM_000419.5(ITGA2B):c.1377T>A (p.Asp459Glu)

Gene: ITGA2B (integrin subunit alpha 2b; minus strand). Cytogenetic location: 17q21.31.
Variant type: single nucleotide variant.
Coding change: c.1377T>A on transcript NM_000419.5 (MANE Select); coding-DNA position 1377, T replaced by A.
Protein change: p.Asp459Glu; replaces aspartic acid 459 with glutamic acid.
Molecular consequence: missense variant.
Genome position (GRCh38, 1-based): chr17:44,380,895, A>T on the plus strand (T>A on the coding strand, the complement: ITGA2B is on the minus strand). VCF-style: chr17-44380895-A-T. GRCh37 (hg19) VCF-style: chr17-42458263-A-T.
Other names: short protein forms D459E.
Identifiers: ClinVar variation 2777017 (VCV002777017.4), dbSNP rs778715806, ClinGen allele CA8603155.

ClinVar aggregate classification (germline): Uncertain significance. Review status: criteria provided, multiple submitters, no conflicts (2 of 4 stars). 2 submissions from 2 submitters: Uncertain significance (2). Last evaluated 2025-05-07.

Conditions:
Inborn genetic diseases. Identifiers: MedGen C0950123, MeSH D030342.
Glanzmann thrombasthenia. Also called: BLEEDING DISORDER, PLATELET-TYPE, 2; THROMBASTHENIA OF GLANZMANN AND NAEGELI; Thrombasthenia; PLATELET GLYCOPROTEIN IIb-IIIa DEFICIENCY; Glanzmann's thrombasthenia. Identifiers: Orphanet 849, MedGen C0040015, MONDO:0100326.

Allele frequency attached by ClinVar (database versions not stated): gnomAD exomes below 0.00001; ExAC 0.00001.

Submissions (2):

Ambry Genetics
Classification: Uncertain significance for Inborn genetic diseases. Last evaluated: 2025-05-07. Review status: criteria provided, single submitter. Criteria: Ambry Variant Classification Scheme 2023. Collection method: clinical testing. Allele origin: germline.

Labcorp Genetics (formerly Invitae), Labcorp
Classification: Uncertain significance for Glanzmann thrombasthenia. Last evaluated: 2023-07-30. Review status: criteria provided, single submitter. Criteria: Invitae Variant Classification Sherloc (09022015). Collection method: clinical testing. Allele origin: germline.
Comment: In summary, the available evidence is currently insufficient to determine the role of this variant in disease. Therefore, it has been classified as a Variant of Uncertain Significance. Advanced modeling of protein sequence and biophysical properties (such as structural, functional, and spatial information, amino acid conservation, physicochemical variation, residue mobility, and thermodynamic stability) performed at Invitae indicates that this missense variant is expected to disrupt ITGA2B protein function. This variant has not been reported in the literature in individuals affected with ITGA2B-related conditions. This variant is present in population databases (rs778715806, gnomAD 0.01%). This sequence change replaces aspartic acid, which is acidic and polar, with glutamic acid, which is acidic and polar, at codon 459 of the ITGA2B protein (p.Asp459Glu).